The following is an entry in ClinVar:

NM_000260.4(MYO7A):c.2683C>A (p.Arg895Ser)

Gene: MYO7A (myosin VIIA; plus strand). Cytogenetic location: 11q13.5.
Variant type: single nucleotide variant.
Coding change: c.2683C>A on transcript NM_000260.4 (MANE Select); coding-DNA position 2683, C replaced by A.
Protein change: p.Arg895Ser; replaces arginine 895 with serine.
Molecular consequence: missense variant.
Genome position (GRCh38, 1-based): chr11:77,180,470, C>A. VCF-style: chr11-77180470-C-A. GRCh37 (hg19) VCF-style: chr11-76891516-C-A.
Other names: c.2683C>A, p.Arg895Ser (NM_001127180.2); c.2650C>A, p.Arg884Ser (NM_001369365.1); short protein forms R884S, R895S.
Identifiers: ClinVar variation 1923480 (VCV001923480.5), dbSNP rs781916427, ClinGen allele CA381942560.

ClinVar aggregate classification (germline): Uncertain significance (1 of 4 stars; one submission).

Submission:

Labcorp Genetics (formerly Invitae), Labcorp
Classification: Uncertain significance. Last evaluated: 2022-03-22. Review status: criteria provided, single submitter. Criteria: Invitae Variant Classification Sherloc (09022015). Collection method: clinical testing. Allele origin: germline.
Comment: This variant disrupts the p.Arg895 amino acid residue in MYO7A. Other variant(s) that disrupt this residue have been observed in individuals with MYO7A-related conditions (PMID: 32747562), which suggests that this may be a clinically significant amino acid residue. Advanced modeling of protein sequence and biophysical properties (such as structural, functional, and spatial information, amino acid conservation, physicochemical variation, residue mobility, and thermodynamic stability) performed at Invitae indicates that this missense variant is not expected to disrupt MYO7A protein function. This missense change has been observed in individual(s) with clinical features of retinitis pigmentosa (Invitae). This variant is not present in population databases (gnomAD no frequency). This sequence change replaces arginine, which is basic and polar, with serine, which is neutral and polar, at codon 895 of the MYO7A protein (p.Arg895Ser). In summary, the available evidence is currently insufficient to determine the role of this variant in disease. Therefore, it has been classified as a Variant of Uncertain Significance.

Literature cited by the submitters: PubMed 32747562.